The following is an entry in ClinVar:

ClinVar aggregate classification (germline): Conflicting classifications of pathogenicity. Review status: criteria provided, conflicting classifications (1 of 4 stars). 2 submissions from 2 submitters: Uncertain significance (1); Likely benign (1). Last evaluated 2026-02-25.

gnomAD v4.1: 6 of 1,613,472 alleles (0.00037%); highest among the groups gnomAD compares: African/African-American, 0.004%; no homozygotes.

Submissions (2):

Women's Health and Genetics/Laboratory Corporation of America, LabCorp
Classification: Uncertain significance. Last evaluated: 2026-02-25. Review status: criteria provided, single submitter. Criteria: LabCorp Variant Classification Summary - May 2015. Collection method: clinical testing. Allele origin: germline.
Comment: Variant summary: C1S c.1067-17C>A alters a non-conserved nucleotide located at a position not widely known to affect splicing. Several computational tools predict a significant impact on normal splicing: Three predict the variant weakens a 3' acceptor site. However, these predictions have yet to be confirmed by functional studies. The variant was absent in 251410 control chromosomes. The available data on variant occurrences in the general population are insufficient to allow any conclusion about variant significance. To our knowledge, no occurrence of c.1067-17C>A in individuals affected with C1S-related conditions and no experimental evidence demonstrating its impact on protein function have been reported. ClinVar contains an entry for this variant (Variation ID: 4698376). Based on the evidence outlined above, the variant was classified as uncertain significance.

Labcorp Genetics (formerly Invitae), Labcorp
Classification: Likely benign. Last evaluated: 2025-07-14. Review status: criteria provided, single submitter. Criteria: Invitae Variant Classification Sherloc (09022015). Collection method: clinical testing. Allele origin: germline.

NM_001734.5(C1S):c.1067-17C>A

Gene: C1S (complement C1s; plus strand). Cytogenetic location: 12p13.31.
Variant type: single nucleotide variant.
Coding change: c.1067-17C>A on transcript NM_001734.5 (MANE Select); 17 bases into the intron before coding-DNA position 1067, C replaced by A.
Molecular consequence: intron variant.
Genome position (GRCh38, 1-based): chr12:7,067,626, C>A. VCF-style: chr12-7067626-C-A. GRCh37 (hg19) VCF-style: chr12-7174930-C-A.
Other names: c.1067-17C>A (NM_201442.4); c.566-17C>A (NM_001346850.2).
Identifiers: ClinVar variation 4698376 (VCV004698376.2).